The following continues an entry in ClinVar:

NM_000492.4(CFTR):c.489+3A>G

Gene: CFTR. ClinVar aggregate classification (germline): Conflicting classifications of pathogenicity. Pathogenic (4); Likely pathogenic (16); Uncertain significance (7).

Submissions 8 to 18 of 29:

Broad Center for Mendelian Genomics, Broad Institute of MIT and Harvard
Classification: Likely pathogenic for Cystic fibrosis. Last evaluated: 2025-06-27. Review status: criteria provided, single submitter. Criteria: ACMG Guidelines, 2015. Collection method: curation. Allele origin: germline. Inheritance: Autosomal recessive inheritance. Study: GREGoR Consortium.
Comment: The phase of these variants are unknown at this time. The c.489+3A>G variant in CFTR has been reported in at least 4 individuals with cystic fibrosis (PMID: 11810271), and has been identified in 0.1% (6/6066) of Middle Eastern chromosomes by the Genome Aggregation Database (gnomAD; dbSNP rs377729736). Although this variant has been seen in the general population in a heterozygous state, its frequency is not high enough to rule out a pathogenic role. This variant has been reported in ClinVar (Variation ID: 53971) and has been interpreted as pathogenic by 3 submitters, likely pathogenic by 9 submitters, and a variant of uncertain significance by 6 submitters. Of the 5 affected individuals, 4 were compound heterozygotes that carried a reported pathogenic variant with unknown phase, which increases the likelihood that the c.489+3A>G variant is pathogenic (Variation ID: 7105, 7129, 7168; PMID: 11810271). Computational prediction tools and conservation analyses suggest that this variant may impact the protein, though this information is not predictive enough to determine pathogenicity. This variant is located in the 5' splice region. Computational tools predict a splicing impact, though this information is not predictive enough to determine/rule out pathogenicity. This variant is adjacent to an in-frame exon and is more likely to escape nonsense mediated decay (NMD) and result in a truncated protein. Minigene analysis shows evidence of exon skipping of exon 4. Exon 4 is in-frame with 72 amino acids. Loss of function of the CFTR gene is an established disease mechanism in autosomal recessive cystic fibrosis. In summary, although additional studies are required to fully establish its clinical significance, this variant is likely pathogenic for autosomal recessive cystic fibrosis. ACMG/AMP Criteria applied: PM3_strong, PVS1_moderate(Richards 2015).

Institute of Immunology and Genetics Kaiserslautern
Classification: Likely pathogenic for Cystic fibrosis. Last evaluated: 2025-04-25. Review status: criteria provided, single submitter. Criteria: ACMG Guidelines, 2015. Collection method: clinical testing. Allele origin: germline. Affected: no.
Comment: ACMG Criteria: PVS1_S, PM2_P, PM3, PP5; Variant was found in heterozygous state.

Ambry Genetics
Classification: Uncertain significance for Cystic fibrosis. Last evaluated: 2025-01-14. Review status: criteria provided, single submitter. Criteria: Ambry Variant Classification Scheme 2023. Collection method: clinical testing. Allele origin: germline.
Comment: The c.489+3A>G intronic variant results from an A to G substitution 3 nucleotides after coding exon 4 in the CFTR gene. This variant (reported as 621+3A>G) was described in four Greek individuals with severe cystic fibrosis (CF), each with a second pathogenic mutation; however, the phase of these alterations is uncertain (Tzetis M et al. Hum Genet, 2001 Dec;109:592-601). In addition, this variant has been reported with a second pathogenic variant in other individuals with intermediate sweat chloride levels (Forzan M et al. J Hum Genet, 2010 Jan;55:23-6; Sermet-Gaudelus I et al. Thorax, 2010 Jun;65:539-44; Esposito MV et al. J Clin Med, 2020 Nov;9:). However, it has also been detected in trans with a pathogenic variant in multiple individuals with normal sweat chloride levels (Ambry internal data). Functional studies using RNA from patients and minigene assay showed that this variant results in partial and full exon skipping (Tzetis M et al. Hum Genet, 2001 Dec;109:592-601; Forzan M et al. J Hum Genet, 2010 Jan;55:23-6). In another RNA study, this variant has approximately 90% of wild type quantity and function (The Clinical and Functional TRanslation of CFTR (CFTR2) database available at CFTR2. Accessed 12/15/2023). This nucleotide position is highly conserved in available vertebrate species. In silico splice site analysis predicts that this alteration will weaken the native splice donor site. Based on available evidence to date, this variant is unlikely to be causative of classic cystic fibrosis; however, its contribution to the development of a CFTR-related disorder is uncertain. This alteration is thus classified as a variant of unknown significance.

Blueprint Genetics
Classification: Likely pathogenic for CFTR-related disorders. Last evaluated: 2024-11-13. Review status: criteria provided, single submitter. Criteria: ACMG Guidelines, 2015. Collection method: clinical testing. Allele origin: germline. Affected: yes. Observed: 5 variant alleles.

ARUP Laboratories, Molecular Genetics and Genomics, ARUP Laboratories
Classification: Uncertain significance. Last evaluated: 2024-11-11. Review status: criteria provided, single submitter. Criteria: ARUP Molecular Germline Variant Investigation Process 2024. Collection method: clinical testing. Allele origin: germline.
Comment: The CFTR c.489+3A>G variant (rs377729736, ClinVar Variation ID: 53971), also known as 621+3A>G, is reported in the literature in individuals affected with cystic fibrosis, congenital bilateral absence of vas deferens (CBAVD), and sarcoidosis, including individuals with a severe pathogenic variant on the opposite chromosome (Amato 2012, Angyal 2024, Gallati 2009, Giuliani 2010, Sermet-Gaudelus 2010, Soltysova 2018, Tzetis 2001). However, this variant has also been reported in an asymptomatic individual who carries a pathogenic nonsense variant in trans (Forzan 2010), and in cis with a truncating variant in an individual with cystic fibrosis (Loumi 2008). This variant is found in the general population with an overall allele frequency of 0.023% (63/276,630 alleles) in the Genome Aggregation Database (v2.1.1). Computational analyses (Alamut v.2.11) predict that this variant may impact splicing by weakening the nearby canonical donor splice site. Functional studies show aberrant mRNA splicing making up about 35% of transcripts, but it is unknown if this level altered transcripts is sufficient to cause disease (Forzan 2010, Tzetis 2001). Due to conflicting information, the clinical significance of the c.489+3A>G variant is uncertain at this time. References: Amato F et al. Extensive molecular analysis of patients bearing CFTR-related disorders. J Mol Diagn. 2012 Jan;14(1):81-9. PMID: 22020151. Angyal D et al. CFTR function is impaired in a subset of patients with pancreatitis carrying rare CFTR variants. Pancreatology. 2024 May;24(3):394-403. PMID: 38493004. Forzan M et al. Is CFTR 621+3 A>G a cystic fibrosis causing mutation? J Hum Genet. 2010 Jan;55(1):23-6. PMID: 19893581. Gallati S et al. Cystic fibrosis transmembrane conductance regulator mutations in azoospermic and oligospermic men and their partners. Reprod Biomed Online. 2009 Nov;19(5):685-94. PMID: 20021716. Giuliani R et al. Identification of the second CFTR mutation in patients with congenital bilateral absence of vas deferens undergoing ART protocols. Asian J Androl. 2010 Nov;12(6):819-26. PMID: 20657600. Loumi O et al. CFTR mutations in the Algerian population. J Cyst Fibros. 2008 Jan;7(1):54-9. Epub 2007 Jun 14. PMID: 17572159. Sermet-Gaudelus I et al. Measurement of nasal potential difference in young children with an equivocal sweat test following newborn screening for cystic fibrosis. Thorax. 2010 Jun;65(6):539-44. PMID: 20522854. Soltysova A et al. Comprehensive genetic study of cystic fibrosis in Slovak patients in 25 years of genetic diagnostics. Clin Respir J. 2018 Mar;12(3):1197-1206. PMID: 28544683. Tzetis M et al. Qualitative and quantitative analysis of mRNA associated with four putative splicing mutations (621+3A-->G, 2751+2T-->A, 296+1G-->C, 1717-9T-->C-D565G) and one nonsense mutation (E822X) in the CFTR gene. Hum Genet. 2001 Dec;109(6):592-601. PMID: 11810271.

Institute of Human Genetics, University of Leipzig Medical Center
Classification: Pathogenic for Cystic fibrosis. Last evaluated: 2024-05-22. Review status: criteria provided, single submitter. Criteria: ACMG Guidelines, 2015. Collection method: clinical testing. Allele origin: paternal. Inheritance: Autosomal recessive inheritance. Affected: yes.
Comment: Criteria applied: PS3_VSTR,PM3,PP4

Fulgent Genetics
Classification: Likely pathogenic for Hereditary pancreatitis; Bronchiectasis with or without elevated sweat chloride 1; Cystic fibrosis; Congenital bilateral aplasia of vas deferens from CFTR mutation. Last evaluated: 2024-05-15. Review status: criteria provided, single submitter. Criteria: ACMG Guidelines, 2015. Collection method: clinical testing. Allele origin: germline.

Baylor Genetics
Classification: Likely pathogenic for Bronchiectasis with or without elevated sweat chloride 1. Last evaluated: 2024-03-28. Review status: criteria provided, single submitter. Criteria: ACMG Guidelines, 2015. Collection method: clinical testing. Allele origin: unknown.

Quest Diagnostics Nichols Institute San Juan Capistrano
Classification: Likely pathogenic. Last evaluated: 2023-07-05. Review status: criteria provided, single submitter. Criteria: Quest Diagnostics criteria. Collection method: clinical testing. Allele origin: unknown.
Comment: The CFTR c.489+3A>G variant has been reported in the published literature in individuals with cystic fibrosis (CF) who carried a CFTR pathogenic variant on the opposite chromosome (PMID: 11810271 (2001)). It has also been observed in individuals with sarcoidosis (PMID: 10980579 (2000)), azoospermia (PMID: 20021716 (2009)), bronchiectasis (PMID: 33260873 (2020)), and congenital bilateral absence of the vas deferens (CBAVD) (PMID: 22020151 (2012)). However, it has also been observed in an asymptomatic individual who carried a CFTR pathogenic variant on the opposite chromosome (PMID: 1989381 (2010)). RNA studies have shown that it causes the synthesis of aberrantly spliced CFTR mRNA transcripts, but it does not prevent the synthesis of normally spliced CFTR mRNA (PMID: 11810271 (2001), 19893581 (2010)). The frequency of this variant in the general population, 0.0021 (23/11152 chromosomes (Genome Aggregation Database)), is uninformative in the assessment of its pathogenicity. Analysis of this variant using software algorithms for the prediction of the effect of nucleotide changes on splicing yielded predictions that this variant may affect proper CFTR mRNA splicing. Based on the available information, this variant is classified as likely pathogenic.

Eurofins-Biomnis
Classification: Likely pathogenic for Hereditary pancreatitis. Last evaluated: 2022-10-20. Review status: criteria provided, single submitter. Criteria: Accession Criteria ClinVar Biomnis. Collection method: clinical testing. Allele origin: germline. Affected: yes. Observed: 1 heterozygote.

MGZ Medical Genetics Center
Classification: Likely pathogenic for Cystic fibrosis. Last evaluated: 2022-01-13. Review status: criteria provided, single submitter. Criteria: ACMG Guidelines, 2015. Collection method: clinical testing. Allele origin: germline. Affected: yes. Observed: 1 variant allele.
Comment: ACMG criteria applied: PM3_STR, PS4_MOD, PS3_SUP, PM2_SUP